The following is an entry in ClinVar:

ClinVar aggregate classification (germline): Benign/Likely benign. Review status: criteria provided, multiple submitters, no conflicts (2 of 4 stars). 5 submissions from 5 submitters: Benign (4); Likely benign (1). Last evaluated 2026-07-01.

Conditions:
Spondyloepimetaphyseal dysplasia, PAPSS2 type. Also called: SEMD, PAKISTANI TYPE; BRACHYOLMIA TYPE 4 WITH MILD EPIPHYSEAL AND METAPHYSEAL CHANGES; SPONDYLODYSPLASIA AND PREMATURE PUBARCHE. Identifiers: Orphanet 93282, MedGen C2748516, MONDO:0019666, OMIM 612847.

Allele frequency attached by ClinVar (database versions not stated): TOPMed 0.00912; ESP Exome Variant Server 0.00915; gnomAD exomes 0.01245 and 0.00815; 1000 Genomes Project 30x 0.00609; 1000 Genomes Project 0.00639; ExAC 0.00790; gnomAD 0.00845 and 0.00863.
gnomAD v4.1: 19,288 of 1,612,812 alleles (1.2%); highest among the groups gnomAD compares: Middle Eastern, 2%; 141 homozygotes.

Submissions (5):

CeGaT Center for Human Genetics Tuebingen
Classification: Benign. Last evaluated: 2026-07-01. Review status: criteria provided, single submitter. Criteria: CeGaT Center For Human Genetics Tuebingen Variant Classification Criteria Version 2. Collection method: clinical testing. Allele origin: germline. Affected: yes. Observed: 12 variant alleles.
Comment: PAPSS2: BP4, BS1, BS2

Labcorp Genetics (formerly Invitae), Labcorp
Classification: Benign for Spondyloepimetaphyseal dysplasia, PAPSS2 type. Last evaluated: 2026-01-26. Review status: criteria provided, single submitter. Criteria: Invitae Variant Classification Sherloc (09022015). Collection method: clinical testing. Allele origin: germline.

Genomic Medicine Center of Excellence, King Faisal Specialist Hospital and Research Centre
Classification: Likely benign. Last evaluated: 2025-08-18. Review status: criteria provided, single submitter. Criteria: ACMG Guidelines, 2015. Collection method: clinical testing. Allele origin: germline.

Eurofins Ntd Llc (ga)
Classification: Benign. Last evaluated: 2017-02-21. Review status: criteria provided, single submitter. Criteria: EGL Classification Definitions 2015. Collection method: clinical testing. Allele origin: germline. Observed: 1 variant allele, 1 heterozygote.

Breakthrough Genomics
Classification: Benign. Review status: criteria provided, single submitter. Criteria: ACMG Guidelines, 2015. Collection method: not provided. Allele origin: germline. Inheritance: Autosomal recessive inheritance. Affected: yes.

NM_001015880.2(PAPSS2):c.886G>A (p.Val296Met)

Gene: PAPSS2 (3'-phosphoadenosine 5'-phosphosulfate synthase 2; plus strand). Cytogenetic location: 10q23.31.
Variant type: single nucleotide variant.
Coding change: c.886G>A on transcript NM_001015880.2 (MANE Select); coding-DNA position 886, G replaced by A.
Protein change: p.Val296Met; replaces valine 296 with methionine.
Molecular consequence: missense variant.
Genome position (GRCh38, 1-based): chr10:87,727,289, G>A. VCF-style: chr10-87727289-G-A. GRCh37 (hg19) VCF-style: chr10-89487046-G-A.
Other names: c.871G>A, p.Val291Met (NM_004670.4); short protein forms V296M, V291M.
Identifiers: ClinVar variation 500278 (VCV000500278.40), dbSNP rs45467596, ClinGen allele CA5589603.
Genomic context (GRCh38, chr10:87,727,289, plus strand): 5'-CAAGGATGGCACACCTTATATCTAGTTTTCGTGCATCACATGGCTCTTTCCACAGATGGC[G>A]TGATCAACATGAGCATCCCCATTGTACTGCCCGTCTCTGCAGAGGATAAGACACGGCTGG-3'
Protein context (NP_001015880.1, residues 286-306): LLDGMALPDG[Val296Met]INMSIPIVLP